The following is an entry in ClinVar:

NM_000548.5(TSC2):c.3884-14C>T

Gene: TSC2 (TSC complex subunit 2; plus strand). Cytogenetic location: 16p13.3.
Variant type: single nucleotide variant.
Coding change: c.3884-14C>T on transcript NM_000548.5 (MANE Select); 14 bases into the intron before coding-DNA position 3884, C replaced by T.
Molecular consequence: intron variant.
Genome position (GRCh38, 1-based): chr16:2,083,681, C>T. VCF-style: chr16-2083681-C-T. GRCh37 (hg19) VCF-style: chr16-2133682-C-T.
Other names: c.3752-14C>T (NM_001370404.1); c.3683-14C>T (NM_001077183.3); c.2342-14C>T (NM_001406694.1, NM_001406693.1, NM_001406692.1); c.2339-14C>T (NM_001406695.1, NM_001406696.1, NM_001406697.1); c.3674-14C>T (NM_001406671.1); c.3671-14C>T (NM_001406673.1); c.3224-14C>T (NM_001406681.1); c.3704-14C>T (NM_001406670.1); and 26 more.
Identifiers: ClinVar variation 4071098 (VCV004071098.1).

ClinVar aggregate classification (germline): Likely benign (1 of 4 stars; one submission).

Conditions:
Tuberous sclerosis 2 (TSC2). Identifiers: Orphanet 805, MedGen C1860707, MONDO:0013199, OMIM 613254.

Submission:

Myriad Genetics, Inc.
Classification: Likely benign for Tuberous sclerosis 2. Last evaluated: 2025-06-02. Review status: criteria provided, single submitter. Criteria: Myriad Autosomal Dominant, Autosomal Recessive and X-Linked Classification Criteria (2023). Collection method: clinical testing. Allele origin: unknown.
Comment: This variant is considered likely benign. This variant is intronic and is not expected to impact mRNA splicing.